The following is an entry in ClinVar:

NM_001571.6(IRF3):c.1014C>T (p.Arg338=)

Gene: IRF3 (interferon regulatory factor 3; minus strand). Cytogenetic location: 19q13.33.
Variant type: single nucleotide variant.
Coding change: c.1014C>T on transcript NM_001571.6 (MANE Select); coding-DNA position 1014, C replaced by T.
Protein change: p.Arg338=; no amino-acid change (arginine 338 retained).
Molecular consequence: synonymous variant. On other transcripts: missense variant (1), non-coding transcript variant (1).
Genome position (GRCh38, 1-based): chr19:49,660,797, G>A on the plus strand (C>T on the coding strand, the complement: IRF3 is on the minus strand). VCF-style: chr19-49660797-G-A. GRCh37 (hg19) VCF-style: chr19-50164054-G-A.
Other names: c.1030C>T, p.Leu344Phe (NM_001197122.2); c.909C>T, p.Arg303= (NM_001197123.2); c.633C>T, p.Arg211= (NM_001197124.2); c.576C>T, p.Arg192= (NM_001197125.2, NM_001197126.2); c.195C>T, p.Arg65= (NM_001197127.2, NM_001197128.2); short protein forms L344F.
Identifiers: ClinVar variation 5002322 (VCV005002322.1).

ClinVar aggregate classification (germline): Uncertain significance (1 of 4 stars; one submission).

Conditions:
IRF3-related disorder. Also called: IRF3-related condition.

Submission:

PreventionGenetics, part of Exact Sciences
Classification: Uncertain significance for IRF3-related condition. Last evaluated: 2025-06-10. Review status: criteria provided, single submitter. Criteria: ACMG Guidelines, 2015. Collection method: clinical testing. Allele origin: germline.
Comment: The IRF3 c.1030C>T variant is predicted to result in the amino acid substitution p.Leu344Phe. To our knowledge, this variant has not been reported in the literature or in a large population database (gnomAD), indicating this variant is rare. At this time, the clinical significance of this variant is uncertain due to the absence of conclusive functional and genetic evidence.